The following is an entry in ClinVar:

NM_004621.6(TRPC6):c.*3C>T

Gene: TRPC6 (transient receptor potential cation channel subfamily C member 6; minus strand). Cytogenetic location: 11q22.1.
Variant type: single nucleotide variant.
Coding change: c.*3C>T on transcript NM_004621.6 (MANE Select); 3 bases downstream of the stop codon, C replaced by T.
Molecular consequence: 3 prime UTR variant.
Genome position (GRCh38, 1-based): chr11:101,452,952, G>A on the plus strand (C>T on the coding strand, the complement: TRPC6 is on the minus strand). VCF-style: chr11-101452952-G-A. GRCh37 (hg19) VCF-style: chr11-101323683-G-A.
Identifiers: ClinVar variation 880229 (VCV000880229.4), dbSNP rs199566055, ClinGen allele CA6244015.

ClinVar aggregate classification (germline): Likely benign (1 of 4 stars; one submission).

Conditions:
Focal segmental glomerulosclerosis 2 (FSGS2). Identifiers: Orphanet 656, MedGen C1858915, MONDO:0011390, OMIM 603965.

Allele frequency attached by ClinVar (database versions not stated): gnomAD 0.00001; TOPMed 0.00001; ExAC 0.00002; gnomAD exomes 0.00002.
gnomAD v4.1: 26 of 1,613,494 alleles (0.0016%); highest among the groups gnomAD compares: Admixed American, 0.0067%; no homozygotes.

Submission:

Illumina Laboratory Services, Illumina
Classification: Likely benign for Focal segmental glomerulosclerosis 2. Last evaluated: 2018-01-13. Review status: criteria provided, single submitter. Criteria: ICSL Variant Classification Criteria 13 December 2019. Collection method: clinical testing. Allele origin: germline.
Comment: This variant was observed in the ICSL laboratory as part of a predisposition screen in an ostensibly healthy population. It had not been previously curated by ICSL or reported in the Human Gene Mutation Database (HGMD: prior to June 1st, 2018), and was therefore a candidate for classification through an automated scoring system. Utilizing variant allele frequency, disease prevalence and penetrance estimates, and inheritance mode, an automated score was calculated to assess if this variant is too frequent to cause the disease. Based on the score and internal cut-off values, a variant classified as likely benign is not then subjected to further curation. The score for this variant resulted in a classification of likely benign for this disease.